The following is an entry in ClinVar:

NM_018127.7(ELAC2):c.560G>C (p.Ser187Thr)

Gene: ELAC2 (elaC ribonuclease Z 2; minus strand). Cytogenetic location: 17p12.
Variant type: single nucleotide variant.
Coding change: c.560G>C on transcript NM_018127.7 (MANE Select); coding-DNA position 560, G replaced by C.
Protein change: p.Ser187Thr; replaces serine 187 with threonine.
Molecular consequence: missense variant. On other transcripts: intron variant (1).
Genome position (GRCh38, 1-based): chr17:13,011,782, C>G on the plus strand (G>C on the coding strand, the complement: ELAC2 is on the minus strand). VCF-style: chr17-13011782-C-G. GRCh37 (hg19) VCF-style: chr17-12915099-C-G.
Other names: c.560G>C, p.Ser187Thr (NM_173717.2); c.560-1111G>C (NM_001165962.2); short protein forms S187T.
Identifiers: ClinVar variation 1042833 (VCV001042833.2), dbSNP rs750475807, ClinGen allele CA8401583.

ClinVar aggregate classification (germline): Uncertain significance (1 of 4 stars; one submission).

Conditions:
Combined oxidative phosphorylation defect type 17. Also called: Combined oxidative phosphorylation deficiency 17. Identifiers: Orphanet 369913, MedGen C3809526, MONDO:0014190, OMIM 615440.

Allele frequency attached by ClinVar (database versions not stated): gnomAD exomes 0.00003 and 0.00005; ExAC 0.00005.
gnomAD v4.1: 47 of 1,614,138 alleles (0.0029%); highest among the groups gnomAD compares: South Asian, 0.052%; 1 homozygote.

Submission:

Labcorp Genetics (formerly Invitae), Labcorp
Classification: Uncertain significance for Combined oxidative phosphorylation defect type 17. Last evaluated: 2021-09-01. Review status: criteria provided, single submitter. Criteria: Invitae Variant Classification Sherloc (09022015). Collection method: clinical testing. Allele origin: germline.
Comment: This sequence change replaces serine with threonine at codon 187 of the ELAC2 protein (p.Ser187Thr). The serine residue is weakly conserved and there is a small physicochemical difference between serine and threonine. This variant is present in population databases (rs750475807, ExAC 0.04%). This variant has not been reported in the literature in individuals affected with ELAC2-related conditions. Algorithms developed to predict the effect of missense changes on protein structure and function (SIFT, PolyPhen-2, Align-GVGD) all suggest that this variant is likely to be tolerated. Algorithms developed to predict the effect of sequence changes on RNA splicing suggest that this variant may disrupt the consensus splice site. In summary, the available evidence is currently insufficient to determine the role of this variant in disease. Therefore, it has been classified as a Variant of Uncertain Significance.